The following is an entry in ClinVar:

ClinVar aggregate classification (germline): Benign/Likely benign. Review status: criteria provided, multiple submitters, no conflicts (2 of 4 stars). 5 submissions from 5 submitters: Benign (2); Likely benign (3). Last evaluated 2026-09-01.

Allele frequency attached by ClinVar (database versions not stated): gnomAD 0.00006; TOPMed 0.00009.
gnomAD v4.1: 259 of 1,614,118 alleles (0.016%); highest among the groups gnomAD compares: South Asian, 0.15%; 5 homozygotes.

Submissions (5):

CeGaT Center for Human Genetics Tuebingen
Classification: Likely benign. Last evaluated: 2026-09-01. Review status: criteria provided, single submitter. Criteria: CeGaT Center For Human Genetics Tuebingen Variant Classification Criteria Version 2. Collection method: clinical testing. Allele origin: germline. Affected: yes. Observed: 1 variant allele.
Comment: SETBP1: BP4, BS1

Labcorp Genetics (formerly Invitae), Labcorp
Classification: Benign. Last evaluated: 2026-01-12. Review status: criteria provided, single submitter. Criteria: Invitae Variant Classification Sherloc (09022015). Collection method: clinical testing. Allele origin: germline.

Revvity Omics, Revvity
Classification: Likely benign. Last evaluated: 2023-11-01. Review status: criteria provided, single submitter. Criteria: ACMG Guidelines, 2015. Collection method: clinical testing. Allele origin: germline.

Blueprint Genetics
Classification: Likely benign. Last evaluated: 2023-08-24. Review status: criteria provided, single submitter. Criteria: ACMG Guidelines, 2015. Collection method: clinical testing. Allele origin: germline.

GeneDx
Classification: Benign. Last evaluated: 2020-04-13. Review status: criteria provided, single submitter. Criteria: GeneDx Variant Classification Process June 2021. Collection method: clinical testing. Allele origin: germline. Affected: yes.

NM_015559.3(SETBP1):c.3834G>C (p.Leu1278=)

Gene: SETBP1 (SET binding protein 1; plus strand). Cytogenetic location: 18q12.3.
Variant type: single nucleotide variant.
Coding change: c.3834G>C on transcript NM_015559.3 (MANE Select); coding-DNA position 3834, G replaced by C.
Protein change: p.Leu1278=; no amino-acid change (leucine 1278 retained).
Molecular consequence: synonymous variant.
Genome position (GRCh38, 1-based): chr18:44,953,174, G>C. VCF-style: chr18-44953174-G-C. GRCh37 (hg19) VCF-style: chr18-42533139-G-C.
Identifiers: ClinVar variation 717781 (VCV000717781.13), dbSNP rs560028623, ClinGen allele CA8945996.